The following is an entry in ClinVar:

ClinVar aggregate classification (germline): Pathogenic (1 of 4 stars; one submission).

Submission:

GeneDx
Classification: Pathogenic. Last evaluated: 2026-02-05. Review status: criteria provided, single submitter. Criteria: GeneDx Variant Classification Process June 2021. Collection method: clinical testing. Allele origin: germline.
Comment: Nonsense variant predicted to result in protein truncation or nonsense mediated decay in a gene for which loss of function is a known mechanism of disease; Not observed at significant frequency in large population cohorts (gnomAD); Has not been previously published as pathogenic or benign to our knowledge

NM_004312.3(ARR3):c.596G>A (p.Trp199Ter)

Gene: ARR3 (arrestin 3; plus strand). Cytogenetic location: Xq13.1.
Variant type: single nucleotide variant.
Coding change: c.596G>A on transcript NM_004312.3 (MANE Select); coding-DNA position 596, G replaced by A.
Protein change: p.Trp199Ter; replaces tryptophan 199 with a stop codon.
Molecular consequence: nonsense.
Genome position (GRCh38, 1-based): chrX:70,277,516, G>A. VCF-style: chrX-70277516-G-A. GRCh37 (hg19) VCF-style: chrX-69497366-G-A.
Other names: short protein forms W199*.
Identifiers: ClinVar variation 4070680 (VCV004070680.2).